The following is an entry in ClinVar:

ClinVar aggregate classification (germline): Pathogenic (1 of 4 stars; one submission).

Conditions:
Asphyxiating thoracic dystrophy 3. Also called: Saldino-Noonan Syndrome; SHORT-RIB THORACIC DYSPLASIA 3 WITH OR WITHOUT POLYDACTYLY; POLYDACTYLY WITH NEONATAL CHONDRODYSTROPHY, TYPE I; SHORT-RIB THORACIC DYSPLASIA 3/6 WITH POLYDACTYLY, DIGENIC; Short rib polydactyly syndrome 2B. Identifiers: Orphanet 474, Orphanet 93269, Orphanet 93270, Orphanet 93271, MedGen C0036069, MONDO:0013127, OMIM 613091.

Submission:

Myriad Genetics, Inc.
Classification: Pathogenic for Asphyxiating thoracic dystrophy 3. Last evaluated: 2024-08-02. Review status: criteria provided, single submitter. Criteria: Myriad Autosomal Dominant, Autosomal Recessive and X-Linked Classification Criteria (2023). Collection method: clinical testing. Allele origin: unknown.
Comment: NM_001377.2(DYNC2H1):c.3100G>T(E1034*) is expected to be pathogenic in the context of DYNC2H1-related disorders. This variant is predicted to lead to an abnormal or absent protein product due to the creation of a premature termination codon in DYNC2H1, a gene where loss-of-function variants are known to be pathogenic. Please note: this variant was assessed in the context of healthy population screening.

NM_001377.3(DYNC2H1):c.3100G>T (p.Glu1034Ter)

Gene: DYNC2H1 (dynein cytoplasmic 2 heavy chain 1; plus strand). Cytogenetic location: 11q22.3.
Variant type: single nucleotide variant.
Coding change: c.3100G>T on transcript NM_001377.3 (MANE Select); coding-DNA position 3100, G replaced by T.
Protein change: p.Glu1034Ter; replaces glutamic acid 1034 with a stop codon.
Molecular consequence: nonsense.
Genome position (GRCh38, 1-based): chr11:103,153,306, G>T. VCF-style: chr11-103153306-G-T. GRCh37 (hg19) VCF-style: chr11-103024035-G-T.
Other names: c.3100G>T, p.Glu1034Ter (NM_001080463.2); short protein forms E1034*.
Identifiers: ClinVar variation 5013401 (VCV005013401.1).
Genomic context (GRCh38, chr11:103,153,306, plus strand): 5'-GAACCCAAAATGAAATTTTACTCTGCATTAAATTATTTAAATTTTATTGGCTTATAGATT[G>T]AAGTGATGAAAGGAAATGTGAAATCACGTCTTCAGATCTATTATCAAGAACTGGAAAAAT-3'